The following is an entry in ClinVar:

NM_005476.7(GNE):c.1153A>T (p.Lys385Ter)

Gene: GNE (glucosamine (UDP-N-acetyl)-2-epimerase/N-acetylmannosamine kinase; minus strand). Cytogenetic location: 9p13.3.
Variant type: single nucleotide variant.
Coding change: c.1153A>T on transcript NM_005476.7 (MANE Select); coding-DNA position 1153, A replaced by T.
Protein change: p.Lys385Ter; replaces lysine 385 with a stop codon.
Molecular consequence: nonsense.
Genome position (GRCh38, 1-based): chr9:36,227,376, T>A on the plus strand (A>T on the coding strand, the complement: GNE is on the minus strand). VCF-style: chr9-36227376-T-A. GRCh37 (hg19) VCF-style: chr9-36227373-T-A.
Other names: c.1246A>T, p.Lys416Ter (NM_001128227.3); c.1153A>T, p.Lys385Ter (NM_001190383.3); c.823A>T, p.Lys275Ter (NM_001190384.3); c.976A>T, p.Lys326Ter (NM_001190388.2, NM_001374798.1); c.1000A>T, p.Lys334Ter (NM_001374797.1); short protein forms K275*, K326*, K334*, K385*, K416*.
Identifiers: ClinVar variation 984339 (VCV000984339.3), dbSNP rs1828921198, ClinGen allele CA373428923.
Genomic context (GRCh38, chr9:36,227,376, plus strand): 5'-CAAGAATATGGTCAATATCTTGAGAGATATTCTCCTTCACAGGAGGAAAGCAGAATTTCT[T>A]TTGCAGTGGCTCTTGAAGATCGATAGATTTGAGAAACTTCAAAATCCTTGGAACAGCATT-3'

ClinVar aggregate classification (germline): Likely pathogenic (1 of 4 stars; one submission).

Conditions:
GNE myopathy (NM). Also called: INCLUSION BODY MYOPATHY, HEREDITARY, AUTOSOMAL RECESSIVE; INCLUSION BODY MYOPATHY 2, AUTOSOMAL RECESSIVE; NONAKA DISTAL MYOPATHY; MYOPATHY, DISTAL, WITH OR WITHOUT RIMMED VACUOLES; IBM 2; Inclusion body myopathy autosomal recessive. Identifiers: Orphanet 602, MedGen C1853926, MONDO:0011603, OMIM 605820.

Submission:

Myriad Genetics, Inc.
Classification: Likely pathogenic for GNE myopathy. Last evaluated: 2019-05-29. Review status: criteria provided, single submitter. Criteria: Myriad Women's Health Autosomal Recessive and X-Linked Classification Criteria (2019). Collection method: clinical testing. Allele origin: unknown.
Comment: NM_001128227.2(GNE):c.1246A>T(K416*) is expected to be pathogenic in the context of GNE myopathy. This variant is predicted to lead to an abnormal or absent protein product due to the creation of a premature termination codon in GNE, a gene where loss-of-function variants are known to be pathogenic. Please note: this variant was assessed in the context of healthy population screening.